The following is an entry in ClinVar:

NM_001122955.4(BSCL2):c.826G>C (p.Ala276Pro)

Genes: BSCL2 (BSCL2 lipid droplet biogenesis associated, seipin; minus strand), HNRNPUL2-BSCL2 (HNRNPUL2-BSCL2 readthrough (NMD candidate); minus strand). Cytogenetic location: 11q12.3.
Variant type: single nucleotide variant.
Coding change: c.826G>C on transcript NM_001122955.4 (MANE Select); coding-DNA position 826, G replaced by C.
Protein change: p.Ala276Pro; replaces alanine 276 with proline.
Molecular consequence: missense variant. On other transcripts: non-coding transcript variant (1).
Genome position (GRCh38, 1-based): chr11:62,692,413, C>G on the plus strand (G>C on the coding strand, the complement: BSCL2 is on the minus strand). VCF-style: chr11-62692413-C-G. GRCh37 (hg19) VCF-style: chr11-62459885-C-G.
Other names: c.634G>C, p.Ala212Pro (NM_001130702.2, NM_032667.6); c.826G>C, p.Ala276Pro (NM_001386027.1, NM_001386028.1); short protein forms A212P, A276P.
Identifiers: ClinVar variation 4539 (VCV000004539.8), dbSNP rs137852971, ClinGen allele CA277926.

ClinVar aggregate classification (germline): Pathogenic. Review status: criteria provided, multiple submitters, no conflicts (2 of 4 stars). 5 submissions from 5 submitters: Pathogenic (2). 3 of the submissions do not count toward it. Last evaluated 2024-03-20.

Conditions:
Neuronopathy, distal hereditary motor, type 5C. Also called: DHMN VC; NEURONOPATHY, DISTAL HEREDITARY MOTOR, AUTOSOMAL DOMINANT 13; NEURONOPATHY, DISTAL HEREDITARY MOTOR, HARDING TYPE VC; NEUROPATHY, DISTAL HEREDITARY MOTOR, HARDING TYPE VC; SPINAL MUSCULAR ATROPHY, DISTAL, HARDING TYPE VC. Identifiers: MedGen C5436838, MONDO:0030860, OMIM 619112.
Congenital generalized lipodystrophy type 2 (CGL2). Also called: BERARDINELLI SYNDROME; BRUNZELL SYNDROME, BSCL2-RELATED; SEIP SYNDROME; Berardinelli-Seip Congenital Lipodystrophy Type 2. Identifiers: Orphanet 528, Orphanet 696289, MedGen C1720863, MONDO:0010020, OMIM 269700.
Severe neurodegenerative syndrome with lipodystrophy. Also called: ENCEPHALOPATHY, PROGRESSIVE, WITH LIPODYSTROPHY; Encephalopathy, progressive, with or without lipodystrophy. Identifiers: Orphanet 363400, MedGen C4014700, MONDO:0014402, OMIM 615924.
Hereditary spastic paraplegia 17. Also called: Spastic Paraplegia 17; Autosomal dominant spastic paraplegia type 17; Silver Syndrome; SPASTIC PARAPLEGIA WITH AMYOTROPHY OF HANDS AND FEET; Silver spastic paraplegia syndrome. Identifiers: Orphanet 100998, MedGen C2931276, MONDO:0010043, OMIM 270685.
Berardinelli-Seip congenital lipodystrophy. Identifiers: Orphanet 528, MedGen CN262437, MONDO:0018883.
Charcot-Marie-Tooth disease type 2. Also called: Charcot-Marie-Tooth type 2. Identifiers: Orphanet 64746, MedGen C0270914, MONDO:0018993.

Allele frequency attached by ClinVar (database versions not stated): gnomAD 0.00001; TOPMed 0.00001; gnomAD exomes below 0.00001 and 0.00001; ExAC 0.00001.

Submissions (5):

Fulgent Genetics
Classification: Pathogenic for Congenital generalized lipodystrophy type 2; Hereditary spastic paraplegia 17; Severe neurodegenerative syndrome with lipodystrophy; Neuronopathy, distal hereditary motor, type 5C. Last evaluated: 2024-03-20. Review status: criteria provided, single submitter. Criteria: ACMG Guidelines, 2015. Collection method: clinical testing. Allele origin: germline.

Labcorp Genetics (formerly Invitae), Labcorp
Classification: Pathogenic for Charcot-Marie-Tooth disease type 2. Last evaluated: 2023-07-12. Review status: criteria provided, single submitter. Criteria: Invitae Variant Classification Sherloc (09022015). Collection method: clinical testing. Allele origin: germline.
Comment: ClinVar contains an entry for this variant (Variation ID: 4539). Advanced modeling of protein sequence and biophysical properties (such as structural, functional, and spatial information, amino acid conservation, physicochemical variation, residue mobility, and thermodynamic stability) performed at Invitae indicates that this missense variant is expected to disrupt BSCL2 protein function. Experimental studies have shown that this missense change affects BSCL2 function (PMID: 23989774). For these reasons, this variant has been classified as Pathogenic. This missense change has been observed in individual(s) with autosomal recessive Berardinelli-Seip congenital lipodystrophy (PMID: 11479539, 12362029). In at least one individual the data is consistent with being in trans (on the opposite chromosome) from a pathogenic variant. It has also been observed to segregate with disease in related individuals. This sequence change replaces alanine, which is neutral and non-polar, with proline, which is neutral and non-polar, at codon 212 of the BSCL2 protein (p.Ala212Pro). This variant is present in population databases (rs137852971, gnomAD 0.0009%).

Inherited Neuropathy Consortium Ii, University Of Miami
Classification: Uncertain significance for Berardinelli-Seip congenital lipodystrophy. Last evaluated: 2016-01-06. Review status: no assertion criteria provided. Collection method: literature only. Allele origin: germline. Affected: yes. Not counted in ClinVar's aggregate classification.

OMIM
Classification: Pathogenic for LIPODYSTROPHY, CONGENITAL GENERALIZED, TYPE 2. Last evaluated: 2001-08-01. Review status: no assertion criteria provided. Collection method: literature only. Allele origin: germline. Not counted in ClinVar's aggregate classification.

GeneReviews
No classification provided. Condition: Congenital generalized lipodystrophy type 2. Review status: no classification provided. Collection method: literature only. Allele origin: germline. Affected: yes. Not counted in ClinVar's aggregate classification.

Literature cited by the submitters: PubMed 23989774 (cited by Labcorp Genetics (formerly Invitae), Labcorp); PubMed 11479539 (cited by Labcorp Genetics (formerly Invitae), Labcorp and OMIM); PubMed 12362029 (cited by Labcorp Genetics (formerly Invitae), Labcorp); PubMed 23142943 (cited by Inherited Neuropathy Consortium Ii, University Of Miami); NCBI Bookshelf NBK1212 (cited by GeneReviews).